The following is an entry in ClinVar:

NM_170601.5(SIAE):c.1316T>C (p.Phe439Ser)

Gene: SIAE (sialic acid acetylesterase; minus strand). Cytogenetic location: 11q24.2.
Variant type: single nucleotide variant.
Coding change: c.1316T>C on transcript NM_170601.5 (MANE Select); coding-DNA position 1316, T replaced by C.
Protein change: p.Phe439Ser; replaces phenylalanine 439 with serine.
Molecular consequence: missense variant.
Genome position (GRCh38, 1-based): chr11:124,638,546, A>G on the plus strand (T>C on the coding strand, the complement: SIAE is on the minus strand). VCF-style: chr11-124638546-A-G. GRCh37 (hg19) VCF-style: chr11-124508442-A-G.
Other names: c.1211T>C, p.Phe404Ser (NM_001199922.2); short protein forms F439S, F404S.
Identifiers: ClinVar variation 3676600 (VCV003676600.2).

ClinVar aggregate classification (germline): Uncertain significance (1 of 4 stars; one submission).

gnomAD v4.1: 8 of 1,613,990 alleles (0.0005%); highest among the groups gnomAD compares: East Asian, 0.0045%; no homozygotes.

Submission:

Labcorp Genetics (formerly Invitae), Labcorp
Classification: Uncertain significance. Last evaluated: 2024-05-06. Review status: criteria provided, single submitter. Criteria: Invitae Variant Classification Sherloc (09022015). Collection method: clinical testing. Allele origin: germline.
Comment: This sequence change replaces phenylalanine, which is neutral and non-polar, with serine, which is neutral and polar, at codon 439 of the SIAE protein (p.Phe439Ser). This variant is present in population databases (rs387906247, gnomAD 0.06%). This variant has not been reported in the literature in individuals affected with SIAE-related conditions. An algorithm developed to predict the effect of missense changes on protein structure and function (PolyPhen-2) suggests that this variant is likely to be disruptive. In summary, the available evidence is currently insufficient to determine the role of this variant in disease. Therefore, it has been classified as a Variant of Uncertain Significance.